The following is an entry in ClinVar:

ClinVar aggregate classification (germline): Uncertain significance (1 of 4 stars; one submission).

Submission:

Ambry Genetics
Classification: Uncertain significance. Last evaluated: 2024-10-14. Review status: criteria provided, single submitter. Criteria: Ambry Variant Classification Scheme 2023. Collection method: clinical testing. Allele origin: germline.
Comment: The p.T589N variant (also known as c.1766C>A), located in coding exon 16 of the BUB1 gene, results from a C to A substitution at nucleotide position 1766. The threonine at codon 589 is replaced by asparagine, an amino acid with similar properties. This amino acid position is conserved. In addition, this alteration is predicted to be tolerated by in silico analysis. Based on the available evidence, the clinical significance of this variant remains unclear.

NM_004336.5(BUB1):c.1766C>A (p.Thr589Asn)

Gene: BUB1 (BUB1 mitotic checkpoint serine/threonine kinase; minus strand). Cytogenetic location: 2q13.
Variant type: single nucleotide variant.
Coding change: c.1766C>A on transcript NM_004336.5 (MANE Select); coding-DNA position 1766, C replaced by A.
Protein change: p.Thr589Asn; replaces threonine 589 with asparagine.
Molecular consequence: missense variant.
Genome position (GRCh38, 1-based): chr2:110,655,849, G>T on the plus strand (C>A on the coding strand, the complement: BUB1 is on the minus strand). VCF-style: chr2-110655849-G-T. GRCh37 (hg19) VCF-style: chr2-111413426-G-T.
Other names: c.1706C>A, p.Thr569Asn (NM_001278616.2); c.1766C>A, p.Thr589Asn (NM_001278617.2); short protein forms T569N, T589N.
Identifiers: ClinVar variation 3483076 (VCV003483076.1).